The following is an entry in ClinVar:

NM_000168.6(GLI3):c.1800G>A (p.Thr600=)

Gene: GLI3 (GLI family zinc finger 3; minus strand). Cytogenetic location: 7p14.1.
Variant type: single nucleotide variant.
Coding change: c.1800G>A on transcript NM_000168.6 (MANE Select); coding-DNA position 1800, G replaced by A.
Protein change: p.Thr600=; no amino-acid change (threonine 600 retained).
Molecular consequence: synonymous variant.
Genome position (GRCh38, 1-based): chr7:41,977,570, C>T on the plus strand (G>A on the coding strand, the complement: GLI3 is on the minus strand). VCF-style: chr7-41977570-C-T. GRCh37 (hg19) VCF-style: chr7-42017169-C-T.
Identifiers: ClinVar variation 360243 (VCV000360243.9), dbSNP rs138445547, ClinGen allele CA4230762.
Genomic context (GRCh38, chr7:41,977,570, plus strand): 5'-AGTTCTTTGTTTCCTTATGCAAGCTCCATGCCCACTGAGGATGCTTACCTCATTGGAATG[C>T]GTTCTGTTTTGGTGTTTGGCGCGATCAGAGGCATTTGAGAAAGCCTTGTTGCAACCTTCG-3'
Protein context (NP_000159.3, residues 590-610): ASDRAKHQNR[Thr600=]HSNEKPYVCK

ClinVar aggregate classification (germline): Benign/Likely benign. Review status: criteria provided, multiple submitters, no conflicts (2 of 4 stars). 5 submissions from 3 submitters: Benign (3); Likely benign (2). Last evaluated 2021-08-17.

Conditions:
Pallister-Hall syndrome (PHS). Also called: HYPOTHALAMIC HAMARTOBLASTOMA, HYPOPITUITARISM, IMPERFORATE ANUS, AND POSTAXIAL POLYDACTYLY; GLI3-Related Pallister-Hall Syndrome. Identifiers: Orphanet 672, MedGen C0265220, MONDO:0007804, OMIM 146510.
Polysyndactyly 4. Also called: Polysyndactyly uncomplicated; Preaxial polydactyly 4. Identifiers: Orphanet 93338, MedGen C1868111, MONDO:0008272, OMIM 174700.
Polydactyly, postaxial, type A1. Identifiers: MedGen C4282400, MONDO:0008266, OMIM 174200.
Greig cephalopolysyndactyly syndrome (GCPS). Also called: POLYSYNDACTYLY WITH PECULIAR SKULL SHAPE; Greig syndrome; GLI3-Related Greig Cephalopolysyndactyly Syndrome. Identifiers: Orphanet 380, MedGen C0265306, MONDO:0008287, OMIM 175700.
Polydactyly. Also called: polydactylism. Identifiers: MedGen C0152427, MONDO:0021003, OMIM 603596, HP:0010442.

Allele frequency attached by ClinVar (database versions not stated): gnomAD exomes 0.00006; TOPMed 0.00006; ExAC 0.00011; ESP Exome Variant Server 0.00015.
gnomAD v4.1: 42 of 1,614,004 alleles (0.0026%); highest among the groups gnomAD compares: Middle Eastern, 0.016%; no homozygotes.

Submissions (5):

Fulgent Genetics
Classification: Likely benign for Pallister-Hall syndrome; Polydactyly, postaxial, type A1; Polysyndactyly 4; Greig cephalopolysyndactyly syndrome. Last evaluated: 2021-08-17. Review status: criteria provided, single submitter. Criteria: ACMG Guidelines, 2015. Collection method: clinical testing. Allele origin: unknown.

Labcorp Genetics (formerly Invitae), Labcorp
Classification: Likely benign. Last evaluated: 2018-11-16. Review status: criteria provided, single submitter. Criteria: Invitae Variant Classification Sherloc (09022015). Collection method: clinical testing. Allele origin: germline.

Illumina Laboratory Services, Illumina
Classification: Benign for Polydactyly. Last evaluated: 2018-01-12. Review status: criteria provided, single submitter. Criteria: ICSL Variant Classification Criteria 13 December 2019. Collection method: clinical testing. Allele origin: germline.
Comment: This variant was observed in the ICSL laboratory as part of a predisposition screen in an ostensibly healthy population. It had not been previously curated by ICSL or reported in the Human Gene Mutation Database (HGMD: prior to June 1st, 2018), and was therefore a candidate for classification through an automated scoring system. Utilizing variant allele frequency, disease prevalence and penetrance estimates, and inheritance mode, an automated score was calculated to assess if this variant is too frequent to cause the disease. Based on the score and internal cut-off values, a variant classified as benign is not then subjected to further curation. The score for this variant resulted in a classification of benign for this disease.

Illumina Laboratory Services, Illumina
Classification: Benign for Greig cephalopolysyndactyly syndrome. Last evaluated: 2018-01-12. Review status: criteria provided, single submitter. Criteria: ICSL Variant Classification Criteria 13 December 2019. Collection method: clinical testing. Allele origin: germline.
Comment: the same text as in the submission from Illumina Laboratory Services, Illumina above.

Illumina Laboratory Services, Illumina
Classification: Benign for Pallister-Hall syndrome. Last evaluated: 2018-01-12. Review status: criteria provided, single submitter. Criteria: ICSL Variant Classification Criteria 13 December 2019. Collection method: clinical testing. Allele origin: germline.
Comment: the same text as in the submission from Illumina Laboratory Services, Illumina above.